The following is an entry in ClinVar:

ClinVar aggregate classification (germline): Uncertain significance. Review status: criteria provided, multiple submitters, no conflicts (2 of 4 stars). 2 submissions from 2 submitters: Uncertain significance (2). Last evaluated 2025-06-26.

Conditions:
Inborn genetic diseases. Identifiers: MedGen C0950123, MeSH D030342.

Allele frequency attached by ClinVar (database versions not stated): gnomAD exomes below 0.00001 and 0.00001; ExAC 0.00001; gnomAD 0.00001; TOPMed 0.00001.
gnomAD v4.1: 3 of 1,613,882 alleles (0.00019%); highest among the groups gnomAD compares: African/African-American, 0.0027%; no homozygotes.

Submissions (2):

Ambry Genetics
Classification: Uncertain significance for Inborn genetic diseases. Last evaluated: 2025-06-26. Review status: criteria provided, single submitter. Criteria: Ambry Variant Classification Scheme 2023. Collection method: clinical testing. Allele origin: germline.

Centre of Medical Genetics, University Hospital Muenster
Classification: Uncertain significance. Last evaluated: 2022-04-11. Review status: criteria provided, single submitter. Criteria: ACMG Guidelines, 2015. Collection method: clinical testing. Allele origin: unknown. Affected: yes. Observed: 1 variant allele, 1 heterozygote.
Comment: ACMG categories: PM1,PM2

NM_020791.4(TAOK1):c.1477C>T (p.Arg493Cys)

Gene: TAOK1 (TAO kinase 1; plus strand). Cytogenetic location: 17q11.2.
Variant type: single nucleotide variant.
Coding change: c.1477C>T on transcript NM_020791.4 (MANE Select); coding-DNA position 1477, C replaced by T.
Protein change: p.Arg493Cys; replaces arginine 493 with cysteine.
Molecular consequence: missense variant.
Genome position (GRCh38, 1-based): chr17:29,508,034, C>T. VCF-style: chr17-29508034-C-T. GRCh37 (hg19) VCF-style: chr17-27835052-C-T.
Other names: c.1477C>T, p.Arg493Cys (NM_025142.1); c.1477C>T (NM_020791.2); short protein forms R493C.
Identifiers: ClinVar variation 1676779 (VCV001676779.4), dbSNP rs781597072, ClinGen allele CA8474674.